The following is an entry in ClinVar:

NM_001253697.2(ERBIN):c.1769A>G (p.Asn590Ser)

Gene: ERBIN (erbb2 interacting protein; plus strand). Cytogenetic location: 5q12.3.
Variant type: single nucleotide variant.
Coding change: c.1769A>G on transcript NM_001253697.2 (MANE Select); coding-DNA position 1769, A replaced by G.
Protein change: p.Asn590Ser; replaces asparagine 590 with serine.
Molecular consequence: missense variant.
Genome position (GRCh38, 1-based): chr5:66,046,519, A>G. VCF-style: chr5-66046519-A-G. GRCh37 (hg19) VCF-style: chr5-65342347-A-G.
Other names: c.1769A>G, p.Asn590Ser (NM_001006600.3, NM_001253698.2, NM_001253699.2 and 1 more transcripts); c.1757A>G, p.Asn586Ser (NM_001253701.2); short protein forms N586S, N590S.
Identifiers: ClinVar variation 2963523 (VCV002963523.3), dbSNP rs2546786937, ClinGen allele CA359862859.
Genomic context (GRCh38, chr5:66,046,519, plus strand): 5'-CTGGGAGTTTACCAGTGACTGCAAATATGAAAGCCTCTGAGAACTTGAAGCATATTGTTA[A>G]CCATGATGATGTTTTTGAGGTATGATTTTATGATTATTCTGGAGCAACTATAAGAACTTT-3'
Protein context (NP_001240626.1, residues 580-600): KASENLKHIV[Asn590Ser]HDDVFEESEE

ClinVar aggregate classification (germline): Uncertain significance (1 of 4 stars; one submission).

Allele frequency attached by ClinVar (database versions not stated): gnomAD exomes below 0.00001.
gnomAD v4.1: 3 of 1,586,150 alleles (0.00019%); highest among the groups gnomAD compares: Non-Finnish European, 0.00026%; no homozygotes.

Submission:

Labcorp Genetics (formerly Invitae), Labcorp
Classification: Uncertain significance. Last evaluated: 2023-04-23. Review status: criteria provided, single submitter. Criteria: Invitae Variant Classification Sherloc (09022015). Collection method: clinical testing. Allele origin: germline.
Comment: This sequence change replaces asparagine, which is neutral and polar, with serine, which is neutral and polar, at codon 590 of the ERBIN protein (p.Asn590Ser). In summary, the available evidence is currently insufficient to determine the role of this variant in disease. Therefore, it has been classified as a Variant of Uncertain Significance. Algorithms developed to predict the effect of missense changes on protein structure and function output the following: SIFT: "Not Available"; PolyPhen-2: "Benign"; Align-GVGD: "Not Available". The serine amino acid residue is found in multiple mammalian species, which suggests that this missense change does not adversely affect protein function. This variant has not been reported in the literature in individuals affected with ERBIN-related conditions. This variant is not present in population databases (gnomAD no frequency).